The following is an entry in ClinVar:

NM_001242896.3(DEPDC5):c.534C>G (p.Ser178Arg)

Gene: DEPDC5 (DEP domain containing 5, GATOR1 subcomplex subunit; plus strand). Cytogenetic location: 22q12.2.
Variant type: single nucleotide variant.
Coding change: c.534C>G on transcript NM_001242896.3 (MANE Select); coding-DNA position 534, C replaced by G.
Protein change: p.Ser178Arg; replaces serine 178 with arginine.
Molecular consequence: missense variant. On other transcripts: non-coding transcript variant (5).
Genome position (GRCh38, 1-based): chr22:31,783,957, C>G. VCF-style: chr22-31783957-C-G. GRCh37 (hg19) VCF-style: chr22-32179943-C-G.
Other names: c.534C>G, p.Ser178Arg (NM_001007188.4, NM_001136029.4, NM_001242897.2 and 7 more transcripts); c.450C>G, p.Ser150Arg (NM_001369901.1, NM_001369902.1); short protein forms S150R, S178R.
Identifiers: ClinVar variation 2089912 (VCV002089912.4), dbSNP rs746214342, ClinGen allele CA411285766.

ClinVar aggregate classification (germline): Uncertain significance (1 of 4 stars; one submission).

Conditions:
Familial focal epilepsy with variable foci (FPEVF). Identifiers: Orphanet 98820, MedGen C1858477, MONDO:0020310.

Submission:

Labcorp Genetics (formerly Invitae), Labcorp
Classification: Uncertain significance for Familial focal epilepsy with variable foci. Last evaluated: 2024-10-23. Review status: criteria provided, single submitter. Criteria: Invitae Variant Classification Sherloc (09022015). Collection method: clinical testing. Allele origin: germline.
Comment: This sequence change replaces serine, which is neutral and polar, with arginine, which is basic and polar, at codon 178 of the DEPDC5 protein (p.Ser178Arg). This variant is not present in population databases (gnomAD no frequency). This variant has not been reported in the literature in individuals affected with DEPDC5-related conditions. ClinVar contains an entry for this variant (Variation ID: 2089912). Experimental studies and prediction algorithms are not available or were not evaluated, and the functional significance of this variant is currently unknown. Algorithms developed to predict the effect of sequence changes on RNA splicing suggest that this variant may disrupt the consensus splice site. In summary, the available evidence is currently insufficient to determine the role of this variant in disease. Therefore, it has been classified as a Variant of Uncertain Significance.